The following is an entry in ClinVar:

NM_002890.3(RASA1):c.1927G>A (p.Val643Ile)

Genes: CCNH (cyclin H; minus strand), RASA1 (RAS p21 protein activator 1; plus strand). Cytogenetic location: 5q14.3.
Variant type: single nucleotide variant.
Coding change: c.1927G>A on transcript NM_002890.3 (MANE Select); coding-DNA position 1927, G replaced by A.
Protein change: p.Val643Ile; replaces valine 643 with isoleucine.
Molecular consequence: missense variant. On other transcripts: intron variant (1).
Genome position (GRCh38, 1-based): chr5:87,374,313, G>A. VCF-style: chr5-87374313-G-A. GRCh37 (hg19) VCF-style: chr5-86670130-G-A.
Other names: c.1396G>A, p.Val466Ile (NM_022650.3); c.933+20731C>T (NM_001364075.2); short protein forms V643I, V466I.
Identifiers: ClinVar variation 3430447 (VCV003430447.1).

ClinVar aggregate classification (germline): Uncertain significance (1 of 4 stars; one submission).

Conditions:
Cardiovascular phenotype. Identifiers: MedGen CN230736.

Submission:

Ambry Genetics
Classification: Uncertain significance for Cardiovascular phenotype. Last evaluated: 2024-09-22. Review status: criteria provided, single submitter. Criteria: Ambry Variant Classification Scheme 2023. Collection method: clinical testing. Allele origin: germline.
Comment: The p.V643I variant (also known as c.1927G>A), located in coding exon 14 of the RASA1 gene, results from a G to A substitution at nucleotide position 1927. The valine at codon 643 is replaced by isoleucine, an amino acid with highly similar properties. This amino acid position is conserved. In addition, this alteration is predicted to be tolerated by in silico analysis. Based on the available evidence, the clinical significance of this variant remains unclear.